The following is an entry in ClinVar:

NM_000234.3(LIG1):c.2406_2407inv (p.Glu803Lys)

Gene: LIG1 (DNA ligase 1; minus strand). Cytogenetic location: 19q13.33.
Variant type: Inversion.
Coding change: c.2406_2407inv on transcript NM_000234.3 (MANE Select).
Protein change: p.Glu803Lys; replaces glutamic acid 803 with lysine.
Molecular consequence: missense variant. On other transcripts: non-coding transcript variant (6).
Genome position: GRCh38 VCF-style: chr19-48119169-CA-TG. GRCh37 (hg19) VCF-style: chr19-48622426-CA-TG.
Other names: c.2313_2314inv, p.Glu772Lys (NM_001289063.2); c.2202_2203inv, p.Glu735Lys (NM_001289064.2); c.2403_2404inv, p.Glu802Lys (NM_001320970.2); c.2316_2317inv, p.Glu773Lys (NM_001320971.2); short protein forms E772K, E803K, E773K, E735K, E802K.
Identifiers: ClinVar variation 1994283 (VCV001994283.1), ClinGen allele CA2580097456.

ClinVar aggregate classification (germline): Uncertain significance (1 of 4 stars; one submission).

Submission:

Labcorp Genetics (formerly Invitae), Labcorp
Classification: Uncertain significance. Last evaluated: 2022-04-08. Review status: criteria provided, single submitter. Criteria: Invitae Variant Classification Sherloc (09022015). Collection method: clinical testing. Allele origin: germline.
Comment: This sequence change replaces glutamic acid, which is acidic and polar, with lysine, which is basic and polar, at codon 803 of the LIG1 protein (p.Glu803Lys). Information on the frequency of this variant in the gnomAD database is not available, as this variant may be reported differently in the database. This variant has not been reported in the literature in individuals affected with LIG1-related conditions. Experimental studies and prediction algorithms are not available or were not evaluated, and the functional significance of this variant is currently unknown. In summary, the available evidence is currently insufficient to determine the role of this variant in disease. Therefore, it has been classified as a Variant of Uncertain Significance.